The following is an entry in ClinVar:

ClinVar aggregate classification (germline): Uncertain significance (1 of 4 stars; one submission).

Conditions:
Leber congenital amaurosis 3 (LCA3). Also called: SPATA7-Related Retinitis Pigmentosa. Identifiers: MedGen C1858677, MONDO:0011415, OMIM 604232.

Allele frequency attached by ClinVar (database versions not stated): TOPMed below 0.00001.

Submission:

Labcorp Genetics (formerly Invitae), Labcorp
Classification: Uncertain significance for Leber congenital amaurosis 3. Last evaluated: 2021-06-20. Review status: criteria provided, single submitter. Criteria: Invitae Variant Classification Sherloc (09022015). Collection method: clinical testing. Allele origin: germline.
Comment: In summary, the available evidence is currently insufficient to determine the role of this variant in disease. Therefore, it has been classified as a Variant of Uncertain Significance. Algorithms developed to predict the effect of missense changes on protein structure and function are either unavailable or do not agree on the potential impact of this missense change (SIFT: "Deleterious"; PolyPhen-2: "Probably Damaging"; Align-GVGD: "Class C15"). This variant has not been reported in the literature in individuals with SPATA7-related conditions. This variant is not present in population databases (ExAC no frequency). This sequence change replaces aspartic acid with histidine at codon 544 of the SPATA7 protein (p.Asp544His). The aspartic acid residue is highly conserved and there is a moderate physicochemical difference between aspartic acid and histidine.

NM_018418.5(SPATA7):c.1630G>C (p.Asp544His)

Gene: SPATA7 (spermatogenesis associated 7; plus strand). Cytogenetic location: 14q31.3.
Variant type: single nucleotide variant.
Coding change: c.1630G>C on transcript NM_018418.5 (MANE Select); coding-DNA position 1630, G replaced by C.
Protein change: p.Asp544His; replaces aspartic acid 544 with histidine.
Molecular consequence: missense variant.
Genome position (GRCh38, 1-based): chr14:88,438,252, G>C. VCF-style: chr14-88438252-G-C. GRCh37 (hg19) VCF-style: chr14-88904596-G-C.
Other names: c.1534G>C, p.Asp512His (NM_001040428.4); short protein forms D512H, D544H.
Identifiers: ClinVar variation 1397821 (VCV001397821.8), dbSNP rs779875860, ClinGen allele CA390573370.